The following is an entry in ClinVar:

NM_002439.5(MSH3):c.1183C>T (p.Pro395Ser)

Gene: MSH3 (mutS homolog 3; plus strand). Cytogenetic location: 5q14.1.
Variant type: single nucleotide variant.
Coding change: c.1183C>T on transcript NM_002439.5 (MANE Select); coding-DNA position 1183, C replaced by T.
Protein change: p.Pro395Ser; replaces proline 395 with serine.
Molecular consequence: missense variant.
Genome position (GRCh38, 1-based): chr5:80,678,936, C>T. VCF-style: chr5-80678936-C-T. GRCh37 (hg19) VCF-style: chr5-79974755-C-T.
Other names: short protein forms P395S.
Identifiers: ClinVar variation 1742762 (VCV001742762.2), dbSNP rs1475595202, ClinGen allele CA360268833.
Genomic context (GRCh38, chr5:80,678,936, plus strand): 5'-AACTGGGGAAATACATTTTTTCTGTAACATTATATTTGTATTTGTTTTTAGGGAGTGCAG[C>T]CTGCCACAGGCGAGGTTGTGTTTGATAGTTTCCAGGACTCTGCTTCTCGTTCAGAGCTAG-3'
Protein context (NP_002430.3, residues 385-405): NIFIGIVGVQ[Pro395Ser]ATGEVVFDSF

ClinVar aggregate classification (germline): Uncertain significance (1 of 4 stars; one submission).

Conditions:
Hereditary cancer-predisposing syndrome. Also called: Hereditary Cancer Syndrome; Hereditary neoplastic syndrome; Neoplastic Syndromes, Hereditary; Tumor predisposition. Identifiers: Orphanet 140162, MedGen C0027672, MeSH D009386, MONDO:0015356.

Allele frequency attached by ClinVar (database versions not stated): gnomAD exomes below 0.00001.
gnomAD v4.1: 1 of 1,614,030 alleles (0.000062%); highest among the groups gnomAD compares: Non-Finnish European, 0.000085%; no homozygotes.

Submission:

Ambry Genetics
Classification: Uncertain significance for Hereditary cancer-predisposing syndrome. Last evaluated: 2021-05-10. Review status: criteria provided, single submitter. Criteria: Ambry Variant Classification Scheme 2023. Collection method: clinical testing. Allele origin: germline.
Comment: The p.P395S variant (also known as c.1183C>T), located in coding exon 8 of the MSH3 gene, results from a C to T substitution at nucleotide position 1183. The proline at codon 395 is replaced by serine, an amino acid with similar properties. This amino acid position is highly conserved in available vertebrate species. In addition, this alteration is predicted to be deleterious by in silico analysis. Since supporting evidence is limited at this time, the clinical significance of this alteration remains unclear.